The following is an entry in ClinVar:

ClinVar aggregate classification (germline): Uncertain significance (1 of 4 stars; one submission).

Submission:

Labcorp Genetics (formerly Invitae), Labcorp
Classification: Uncertain significance. Last evaluated: 2024-09-27. Review status: criteria provided, single submitter. Criteria: Invitae Variant Classification Sherloc (09022015). Collection method: clinical testing. Allele origin: germline.
Comment: This sequence change creates a premature translational stop signal (p.Pro308Leufs*42) in the MYLK3 gene. It is expected to result in an absent or disrupted protein product. However, the current clinical and genetic evidence is not sufficient to establish whether loss-of-function variants in MYLK3 cause disease. This variant is present in population databases (no rsID available, gnomAD 0.006%). This variant has not been reported in the literature in individuals affected with MYLK3-related conditions. ClinVar contains an entry for this variant (Variation ID: 2083665). In summary, the available evidence is currently insufficient to determine the role of this variant in disease. Therefore, it has been classified as a Variant of Uncertain Significance.

NM_182493.3(MYLK3):c.923del (p.Pro308fs)

Gene: MYLK3 (myosin light chain kinase 3; minus strand). Cytogenetic location: 16q11.2.
Variant type: Deletion.
Coding change: c.923del on transcript NM_182493.3 (MANE Select); coding-DNA position 923, one base deleted (C; older notation c.923delC).
Protein change: p.Pro308fs; shifts the reading frame from proline 308.
Molecular consequence: frameshift variant. On other transcripts: intron variant (1).
Genome position (GRCh38, 1-based): chr16:46,737,789, G deleted on the plus strand (C on the coding strand, the reverse complement: MYLK3 is on the minus strand); the first of 2 consecutive G bases (chr16:46,737,789-46,737,790); deleting either gives the same sequence. VCF-style (leftmost placement, unchanged base first): chr16-46737788-AG-A. GRCh37 (hg19) VCF-style: chr16-46771700-AG-A.
Other names: c.-23+2268del (NM_001308301.1); short protein forms P308fs.
Identifiers: ClinVar variation 2083665 (VCV002083665.4), dbSNP rs1284508448, ClinGen allele CA622280394.